The following is an entry in ClinVar:

NM_001039141.3(TRIOBP):c.2551C>T (p.Arg851Trp)

Gene: TRIOBP (TRIO and F-actin binding protein; plus strand). Cytogenetic location: 22q13.1.
Variant type: single nucleotide variant.
Coding change: c.2551C>T on transcript NM_001039141.3 (MANE Select); coding-DNA position 2551, C replaced by T.
Protein change: p.Arg851Trp; replaces arginine 851 with tryptophan.
Molecular consequence: missense variant.
Genome position (GRCh38, 1-based): chr22:37,725,107, C>T. VCF-style: chr22-37725107-C-T. GRCh37 (hg19) VCF-style: chr22-38121114-C-T.
Other names: short protein forms R851W.
Identifiers: ClinVar variation 1346835 (VCV001346835.5), dbSNP rs532583197, ClinGen allele CA10223901.
Genomic context (GRCh38, chr22:37,725,107, plus strand): 5'-CAAGACAACCCTAAAACCTCTTGTACCAAACGAGATAACCTCAGACCCACTTGTACACAG[C>T]GGGACCGCACACAGTCCTTTTCCTTTCAACGAGACAACCCTGGAACCTCCTCATCTCAAT-3'
Protein context (NP_001034230.1, residues 841-861): RDNLRPTCTQ[Arg851Trp]DRTQSFSFQR

ClinVar aggregate classification (germline): Uncertain significance (1 of 4 stars; one submission).

Allele frequency attached by ClinVar (database versions not stated): gnomAD exomes 0.00002 and 0.00004; ExAC 0.00003; TOPMed 0.00004; gnomAD 0.00005 and 0.00006; 1000 Genomes Project 0.00020; 1000 Genomes Project 30x 0.00031.
gnomAD v4.1: 42 of 1,614,140 alleles (0.0026%); highest among the groups gnomAD compares: Admixed American, 0.015%; no homozygotes.

Submission:

Labcorp Genetics (formerly Invitae), Labcorp
Classification: Uncertain significance. Last evaluated: 2024-10-25. Review status: criteria provided, single submitter. Criteria: Invitae Variant Classification Sherloc (09022015). Collection method: clinical testing. Allele origin: germline.
Comment: This sequence change replaces arginine, which is basic and polar, with tryptophan, which is neutral and slightly polar, at codon 851 of the TRIOBP protein (p.Arg851Trp). This variant is present in population databases (rs532583197, gnomAD 0.02%). This variant has not been reported in the literature in individuals affected with TRIOBP-related conditions. ClinVar contains an entry for this variant (Variation ID: 1346835). An algorithm developed to predict the effect of missense changes on protein structure and function outputs the following: PolyPhen-2: "Benign". The tryptophan amino acid residue is found in multiple mammalian species, which suggests that this missense change does not adversely affect protein function. In summary, the available evidence is currently insufficient to determine the role of this variant in disease. Therefore, it has been classified as a Variant of Uncertain Significance.